The following is an entry in ClinVar:

ClinVar aggregate classification (germline): Likely pathogenic (1 of 4 stars; one submission).

Conditions:
Hereditary insensitivity to pain with anhidrosis (CIPA). Also called: INSENSITIVITY TO PAIN, CONGENITAL, WITH ANHIDROSIS; hereditary sensory and autonomic neuropathy type 4; FAMILIAL DYSAUTONOMIA, TYPE II; NEUROPATHY, CONGENITAL SENSORY, WITH ANHIDROSIS; NTRK1 Congenital Insensitivity to Pain with Anhidrosis; HSAN Type IV. Identifiers: Orphanet 642, MedGen C0020074, MONDO:0009746, OMIM 256800.

Submission:

Natera, Inc.
Classification: Likely pathogenic for Hereditary insensitivity to pain with anhidrosis. Last evaluated: 2024-07-25. Review status: criteria provided, single submitter. Criteria: Natera Variant Classification Schema (03/2026). Collection method: clinical testing. Allele origin: germline.
Comment: The c.24del variant in NTRK1 is a frameshift variant predicted to shift the reading frame beginning at codon 9 and leads to a stop codon 18 codons downstream. This variant is expected to result in nonsense mediated decay, truncation, or a dysfunctional protein product. This variant is rare in the general population with a frequency below the threshold expected for the associated phenotype(s). Given the available evidence, this variant is classified as Likely Pathogenic.

NM_002529.4(NTRK1):c.24del (p.Gln9fs)

Genes: NTRK1 (neurotrophic receptor tyrosine kinase 1; plus strand), LOC129931648 (ATAC-STARR-seq lymphoblastoid silent region 1440; plus strand). Cytogenetic location: 1q23.1.
Variant type: Deletion.
Coding change: c.24del on transcript NM_002529.4 (MANE Select); coding-DNA position 24, one base deleted (G; older notation c.24delG).
Protein change: p.Gln9fs; shifts the reading frame from glutamine 9.
Molecular consequence: frameshift variant. On other transcripts: intron variant (1).
Genome position (GRCh38, 1-based): chr1:156,860,958, G deleted; the last of 3 consecutive G bases (chr1:156,860,956-156,860,958); deleting any one gives the same sequence. VCF-style (leftmost placement, unchanged base first): chr1-156860955-CG-C. GRCh37 (hg19) VCF-style: chr1-156830747-CG-C.
Other names: c.24delG, p.Gln9Serfs (NM_001012331.1); c.24del, p.Gln9fs (NM_001012331.2); c.123-3396del (NM_001007792.1); short protein forms Q9fs.
Identifiers: ClinVar variation 4814516 (VCV004814516.1).